The following is an entry in ClinVar:

NM_017514.5(PLXNA3):c.2678+8C>T

Gene: PLXNA3 (plexin A3; plus strand). Cytogenetic location: Xq28.
Variant type: single nucleotide variant.
Coding change: c.2678+8C>T on transcript NM_017514.5 (MANE Select); 8 bases into the intron after coding-DNA position 2678, C replaced by T.
Molecular consequence: intron variant.
Genome position (GRCh38, 1-based): chrX:154,466,088, C>T. VCF-style: chrX-154466088-C-T. GRCh37 (hg19) VCF-style: chrX-153694431-C-T.
Identifiers: ClinVar variation 3030037 (VCV003030037.2), dbSNP rs782071805, ClinGen allele CA10564440.

ClinVar aggregate classification (germline): Likely benign (0 of 4 stars; one submission).

Conditions:
PLXNA3-related disorder. Also called: PLXNA3-related condition.

Allele frequency attached by ClinVar (database versions not stated): gnomAD 0.00001; gnomAD exomes 0.00001.
gnomAD v4.1: 15 of 1,207,343 alleles (0.0012%); highest among the groups gnomAD compares: Middle Eastern, 0.025%; no homozygotes.

Submission:

PreventionGenetics, part of Exact Sciences
Classification: Likely benign for PLXNA3-related condition. Last evaluated: 2021-07-23. Review status: no assertion criteria provided. Collection method: clinical testing. Allele origin: germline.
Comment: This variant is classified as likely benign based on ACMG/AMP sequence variant interpretation guidelines (Richards et al. 2015 PMID: 25741868, with internal and published modifications).